The following is an entry in ClinVar:

ClinVar aggregate classification (germline): Uncertain significance (1 of 4 stars; one submission).

gnomAD v4.1: 2 of 1,610,778 alleles (0.00012%); highest among the groups gnomAD compares: Non-Finnish European, 0.00017%; no homozygotes.

Submission:

GeneDx
Classification: Uncertain significance. Last evaluated: 2025-04-25. Review status: criteria provided, single submitter. Criteria: GeneDx Variant Classification Process June 2021. Collection method: clinical testing. Allele origin: germline.
Comment: Not observed at significant frequency in large population cohorts (gnomAD); In silico analysis supports that this missense variant has a deleterious effect on protein structure/function; In silico analysis suggests this variant may impact gene splicing. In the absence of RNA/functional studies, the actual effect of this sequence change is unknown.; Has not been previously published as pathogenic or benign to our knowledge

NM_007327.4(GRIN1):c.2081G>A (p.Arg694Gln)

Gene: GRIN1 (glutamate ionotropic receptor NMDA type subunit 1; plus strand). Cytogenetic location: 9q34.3.
Variant type: single nucleotide variant.
Coding change: c.2081G>A on transcript NM_007327.4 (MANE Select); coding-DNA position 2081, G replaced by A.
Protein change: p.Arg694Gln; replaces arginine 694 with glutamine.
Molecular consequence: missense variant.
Genome position (GRCh38, 1-based): chr9:137,162,913, G>A. VCF-style: chr9-137162913-G-A. GRCh37 (hg19) VCF-style: chr9-140057365-G-A.
Other names: c.2081G>A, p.Arg694Gln (NM_000832.7, NM_021569.4); c.2144G>A, p.Arg715Gln (NM_001185090.2, NM_001185091.2); short protein forms R694Q, R715Q.
Identifiers: ClinVar variation 3375702 (VCV003375702.2).